The following is an entry in ClinVar:

NM_004304.5(ALK):c.3481G>A (p.Glu1161Lys)

Gene: ALK (ALK receptor tyrosine kinase; minus strand). Cytogenetic location: 2p23.2.
Variant type: single nucleotide variant.
Coding change: c.3481G>A on transcript NM_004304.5 (MANE Select); coding-DNA position 3481, G replaced by A.
Protein change: p.Glu1161Lys; replaces glutamic acid 1161 with lysine.
Molecular consequence: missense variant.
Genome position (GRCh38, 1-based): chr2:29,222,378, C>T on the plus strand (G>A on the coding strand, the complement: ALK is on the minus strand). VCF-style: chr2-29222378-C-T. GRCh37 (hg19) VCF-style: chr2-29445244-C-T.
Other names: c.277G>A, p.Glu93Lys (NM_001353765.2); short protein forms E1161K, E93K.
Identifiers: ClinVar variation 569028 (VCV000569028.19), dbSNP rs145194836, ClinGen allele CA1593924.

ClinVar aggregate classification (germline): Uncertain significance. Review status: criteria provided, multiple submitters, no conflicts (2 of 4 stars). 5 submissions from 5 submitters: Uncertain significance (5). Last evaluated 2026-01-26.

Conditions:
ALK-related disorder. Also called: ALK-related condition.
Neuroblastoma, susceptibility to, 3. Also called: ALK-Related Neuroblastic Tumor Susceptibility. Identifiers: Orphanet 635, MedGen C2751681, MONDO:0013083, OMIM 613014.
Hereditary cancer-predisposing syndrome. Also called: Hereditary neoplastic syndrome; Neoplastic Syndromes, Hereditary; Hereditary Cancer Syndrome; Tumor predisposition. Identifiers: Orphanet 140162, MedGen C0027672, MeSH D009386, MONDO:0015356.

Allele frequency attached by ClinVar (database versions not stated): gnomAD exomes 0.00002 and 0.00003; ExAC 0.00003; TOPMed 0.00006; gnomAD 0.00007 and 0.00008; ESP Exome Variant Server 0.00015.
gnomAD v4.1: 38 of 1,613,832 alleles (0.0024%); highest among the groups gnomAD compares: African/African-American, 0.015%; no homozygotes.

Submissions (5):

Labcorp Genetics (formerly Invitae), Labcorp
Classification: Uncertain significance for Neuroblastoma, susceptibility to, 3. Last evaluated: 2026-01-26. Review status: criteria provided, single submitter. Criteria: Invitae Variant Classification Sherloc (09022015). Collection method: clinical testing. Allele origin: germline.
Comment: This sequence change replaces glutamic acid, which is acidic and polar, with lysine, which is basic and polar, at codon 1161 of the ALK protein (p.Glu1161Lys). This variant is present in population databases (rs145194836, gnomAD 0.008%). This variant has not been reported in the literature in individuals affected with ALK-related conditions. ClinVar contains an entry for this variant (Variation ID: 569028). An algorithm developed to predict the effect of missense changes on protein structure and function (PolyPhen-2) suggests that this variant is likely to be disruptive. In summary, the available evidence is currently insufficient to determine the role of this variant in disease. Therefore, it has been classified as a Variant of Uncertain Significance.

Ambry Genetics
Classification: Uncertain significance for Hereditary cancer-predisposing syndrome. Last evaluated: 2025-03-26. Review status: criteria provided, single submitter. Criteria: Ambry Variant Classification Scheme 2023. Collection method: clinical testing. Allele origin: germline.
Comment: The p.E1161K variant (also known as c.3481G>A), located in coding exon 22 of the ALK gene, results from a G to A substitution at nucleotide position 3481. The glutamic acid at codon 1161 is replaced by lysine, an amino acid with similar properties. This amino acid position is highly conserved in available vertebrate species. In addition, this alteration is predicted to be deleterious by in silico analysis. Since supporting evidence is limited at this time, the clinical significance of this alteration remains unclear.

Baylor Genetics
Classification: Uncertain significance for Neuroblastoma, susceptibility to, 3. Last evaluated: 2024-02-05. Review status: criteria provided, single submitter. Criteria: ACMG Guidelines, 2015. Collection method: clinical testing. Allele origin: unknown.

GeneDx
Classification: Uncertain significance. Last evaluated: 2023-07-06. Review status: criteria provided, single submitter. Criteria: GeneDx Variant Classification Process June 2021. Collection method: clinical testing. Allele origin: germline. Affected: yes.
Comment: In silico analysis supports that this missense variant has a deleterious effect on protein structure/function; Has not been previously published as pathogenic or benign to our knowledge; This variant is associated with the following publications: (PMID: 32353632, 35625958)

PreventionGenetics, part of Exact Sciences
Classification: Uncertain significance for ALK-related condition. Last evaluated: 2023-01-23. Review status: criteria provided, single submitter. Criteria: ACMG Guidelines, 2015. Collection method: clinical testing. Allele origin: germline.
Comment: The ALK c.3481G>A variant is predicted to result in the amino acid substitution p.Glu1161Lys. To our knowledge, this variant has not been reported in the literature. This variant is reported in 0.016% of alleles in individuals of African descent in gnomAD. At this time, the clinical significance of this variant is uncertain due to the absence of conclusive functional and genetic evidence.